The following is an entry in ClinVar:

NM_173551.5(ANKS6):c.35TGC[4] (p.Leu14_Arg15insLeu)

Gene: ANKS6 (ankyrin repeat and sterile alpha motif domain containing 6; minus strand). Cytogenetic location: 9q22.33.
Variant type: Microsatellite.
Coding change: c.35TGC[4] on transcript NM_173551.5 (MANE Select); four copies in a row of the 3-base unit TGC starting at c.35; the reference has three copies in a row; one copy, 3 bases duplicated; also written c.41_43dup.
Protein change: p.Leu14_Arg15insLeu.
Molecular consequence: inframe insertion.
Genome position (GRCh38, 1-based): chr9:98,796,449-98,796,451, GCA duplicated on the plus strand (TGC on the coding strand, the reverse complement: ANKS6 is on the minus strand); duplicating any 3 consecutive bases within chr9:98,796,449-98,796,459 gives the same sequence; the position shown is the placement nearest the transcript's 3' end. VCF-style (leftmost placement, unchanged base first): chr9-98796448-C-CGCA. GRCh37 (hg19) VCF-style: chr9-101558730-C-CGCA.
Other names: c.41_43dup (NM_173551.5).
Identifiers: ClinVar variation 2195270 (VCV002195270.4), dbSNP rs1287867108, ClinGen allele CA466647704.
Genomic context (GRCh38, chr9:98,796,448, plus strand): 5'-TCCGCCGCCCCCGGCTCCAGCAGCCGCCGCGCCGTCTCCGTGTCGCCCTGGTCACACGCG[C>CGCA]GCAGCAGCAGCTGGAAGGCCGGGGGCAGCCCGCCCTCGCCCATCGCCGCCGCCACGCGCG-3'

ClinVar aggregate classification (germline): Uncertain significance. Review status: criteria provided, multiple submitters, no conflicts (2 of 4 stars). 2 submissions from 2 submitters: Uncertain significance (2). Last evaluated 2024-03-26.

Conditions:
Nephronophthisis 16 (NPHP16). Identifiers: Orphanet 655, MedGen C3809320, MONDO:0014158, OMIM 615382.

Submissions (2):

Fulgent Genetics
Classification: Uncertain significance for Nephronophthisis 16. Last evaluated: 2024-03-26. Review status: criteria provided, single submitter. Criteria: ACMG Guidelines, 2015. Collection method: clinical testing. Allele origin: germline.

Labcorp Genetics (formerly Invitae), Labcorp
Classification: Uncertain significance for Nephronophthisis 16. Last evaluated: 2022-08-05. Review status: criteria provided, single submitter. Criteria: Invitae Variant Classification Sherloc (09022015). Collection method: clinical testing. Allele origin: germline.
Comment: This variant, c.41_43dup, results in the insertion of 1 amino acid(s) of the ANKS6 protein (p.Leu14dup), but otherwise preserves the integrity of the reading frame. This variant is present in population databases (no rsID available, gnomAD 0.01%). This variant has not been reported in the literature in individuals affected with ANKS6-related conditions. In summary, the available evidence is currently insufficient to determine the role of this variant in disease. Therefore, it has been classified as a Variant of Uncertain Significance.